The following is an entry in ClinVar:

ClinVar aggregate classification (germline): Uncertain significance (1 of 4 stars; one submission).

gnomAD v4.1: 1 of 1,350,090 alleles (0.000074%); highest among the groups gnomAD compares: South Asian, 0.0019%; no homozygotes.

Submission:

Ambry Genetics
Classification: Uncertain significance. Last evaluated: 2023-05-15. Review status: criteria provided, single submitter. Criteria: Ambry Variant Classification Scheme 2023. Collection method: clinical testing. Allele origin: germline.
Comment: The p.E92D variant (also known as c.276G>T), located in coding exon 1 of the EGLN1 gene, results from a G to T substitution at nucleotide position 276. The glutamic acid at codon 92 is replaced by aspartic acid, an amino acid with highly similar properties. This amino acid position is conserved. In addition, this alteration is predicted to be tolerated by in silico analysis. Since supporting evidence is limited at this time, the clinical significance of this alteration remains unclear.

NM_022051.3(EGLN1):c.276G>T (p.Glu92Asp)

Gene: EGLN1 (egl-9 family hypoxia inducible factor 1; minus strand). Cytogenetic location: 1q42.2.
Variant type: single nucleotide variant.
Coding change: c.276G>T on transcript NM_022051.3 (MANE Select); coding-DNA position 276, G replaced by T.
Protein change: p.Glu92Asp; replaces glutamic acid 92 with aspartic acid.
Molecular consequence: missense variant.
Genome position (GRCh38, 1-based): chr1:231,421,613, C>A on the plus strand (G>T on the coding strand, the complement: EGLN1 is on the minus strand). VCF-style: chr1-231421613-C-A. GRCh37 (hg19) VCF-style: chr1-231557359-C-A.
Other names: c.276G>T, p.Glu92Asp (NM_001377260.1, NM_001377261.1); short protein forms E92D.
Identifiers: ClinVar variation 2565133 (VCV002565133.2), dbSNP rs992728216, ClinGen allele CA345238076.
Genomic context (GRCh38, chr1:231,421,613, plus strand): 5'-TACTTTTCCCTTGGCCGCGTCCCCGGAGGCGTTGTCCCGGCGCGCCGCTGCCTTCCTGGG[C>A]TCCCGGGCCCCGGCCCTGGGCGGCGGCACTGCAGCCGGCGGCGCGGGGCCGGAATGCTGG-3'
Protein context (NP_071334.1, residues 82-102): AVPPPRAGAR[Glu92Asp]PRKAAARRDN